The following is an entry in ClinVar:

ClinVar aggregate classification (germline): Uncertain significance. Review status: criteria provided, multiple submitters, no conflicts (2 of 4 stars). 4 submissions from 4 submitters: Uncertain significance (4). Last evaluated 2023-11-27.

Conditions:
Developmental and epileptic encephalopathy, 37 (DEE37). Also called: Epileptic encephalopathy, early infantile, 37. Identifiers: MedGen C4310770, MONDO:0014859, OMIM 616981.
Inborn genetic diseases. Identifiers: MedGen C0950123, MeSH D030342.

Allele frequency attached by ClinVar (database versions not stated): ExAC 0.00025; 1000 Genomes Project 30x 0.00062; 1000 Genomes Project 0.00080.

Submissions (4):

Labcorp Genetics (formerly Invitae), Labcorp
Classification: Uncertain significance for Developmental and epileptic encephalopathy, 37. Last evaluated: 2023-11-27. Review status: criteria provided, single submitter. Criteria: Invitae Variant Classification Sherloc (09022015). Collection method: clinical testing. Allele origin: germline.
Comment: This sequence change replaces alanine, which is neutral and non-polar, with glycine, which is neutral and non-polar, at codon 11 of the FRRS1L protein (p.Ala11Gly). The frequency data for this variant in the population databases is considered unreliable, as metrics indicate poor data quality at this position in the gnomAD database. This variant has not been reported in the literature in individuals affected with FRRS1L-related conditions. ClinVar contains an entry for this variant (Variation ID: 542863). Experimental studies and prediction algorithms are not available or were not evaluated, and the functional significance of this variant is currently unknown. In summary, the available evidence is currently insufficient to determine the role of this variant in disease. Therefore, it has been classified as a Variant of Uncertain Significance.

Ambry Genetics
Classification: Uncertain significance for Inborn genetic diseases. Last evaluated: 2023-09-29. Review status: criteria provided, single submitter. Criteria: Ambry Variant Classification Scheme 2023. Collection method: clinical testing. Allele origin: germline.

GeneDx
Classification: Uncertain significance. Last evaluated: 2020-09-14. Review status: criteria provided, single submitter. Criteria: GeneDx Variant Classification Process June 2021. Collection method: clinical testing. Allele origin: germline. Affected: yes.
Comment: Not observed at a significant frequency in large population cohorts (Lek et al., 2016); In silico analysis supports that this missense variant does not alter protein structure/function; Has not been previously published as pathogenic or benign to our knowledge

Baylor Genetics
Classification: Uncertain significance for Developmental and epileptic encephalopathy, 37. Last evaluated: 2018-03-26. Review status: criteria provided, single submitter. Criteria: ACMG Guidelines, 2015. Collection method: clinical testing. Allele origin: unknown. Affected: yes.
Comment: This variant was determined to be of uncertain significance according to ACMG Guidelines, 2015 [PMID:25741868].

NC_000009.12:g.109167260G>C

Gene: FRRS1L (ferric chelate reductase 1 like; minus strand). Cytogenetic location: 9q31.3.
Variant type: single nucleotide variant.
Genome position: GRCh38 VCF-style: chr9-109167260-G-C. GRCh37 (hg19) VCF-style: chr9-111929540-G-C.
Identifiers: ClinVar variation 542863 (VCV000542863.11), dbSNP rs560644274, ClinGen allele CA5177502.